The following is an entry in ClinVar:

ClinVar aggregate classification (germline): Uncertain significance (1 of 4 stars; one submission).

Conditions:
Autosomal recessive nonsyndromic hearing loss 37. Identifiers: Orphanet 90636, MedGen C1843028, MONDO:0011912, OMIM 607821.

gnomAD v4.1: 1 of 1,613,894 alleles (0.000062%); highest among the groups gnomAD compares: South Asian, 0.0011%; no homozygotes.

Submission:

3billion
Classification: Uncertain significance for Autosomal recessive nonsyndromic hearing loss 37. Last evaluated: 2023-10-24. Review status: criteria provided, single submitter. Criteria: ACMG Guidelines, 2015. Collection method: clinical testing. Allele origin: germline. Affected: yes.
Comment: The variant is not observed in the gnomAD v2.1.1 dataset. Predicted Consequence/Location: Intron variant predicted to result in premature termination by alternate splicing In silico tools predict the variant to alter splicing and produce an abnormal transcript [SpliceAI: 0.93 (>=0.2, moderate evidence for spliceogenicity)]. Therefore, this variant is classified as VUS according to the recommendation of ACMG/AMP guideline.

NM_004999.4(MYO6):c.3658+5G>A

Gene: MYO6 (myosin VI; plus strand). Cytogenetic location: 6q14.1.
Variant type: single nucleotide variant.
Coding change: c.3658+5G>A on transcript NM_004999.4 (MANE Select); 5 bases into the intron after coding-DNA position 3658, G replaced by A.
Molecular consequence: intron variant.
Genome position (GRCh38, 1-based): chr6:75,914,286, G>A. VCF-style: chr6-75914286-G-A. GRCh37 (hg19) VCF-style: chr6-76624003-G-A.
Other names: c.3685+5G>A (NM_001368865.1); c.3658+5G>A (NM_001368866.1); c.3619+5G>A (NM_001368137.1); c.3589+5G>A (NM_001300899.2); c.3562+5G>A (NM_001368136.1); c.3574+5G>A (NM_001368138.1).
Identifiers: ClinVar variation 3775646 (VCV003775646.1).